The following is an entry in ClinVar:

ClinVar aggregate classification (germline): Uncertain significance (1 of 4 stars; one submission).

Conditions:
Dilated cardiomyopathy 1O (CMD1O). Also called: CARDIOMYOPATHY, DILATED, WITH VENTRICULAR TACHYCARDIA. Identifiers: Orphanet 154, MedGen C1837839, MONDO:0012062, OMIM 608569.

Submission:

Labcorp Genetics (formerly Invitae), Labcorp
Classification: Uncertain significance for Dilated cardiomyopathy 1O. Last evaluated: 2024-02-24. Review status: criteria provided, single submitter. Criteria: Invitae Variant Classification Sherloc (09022015). Collection method: clinical testing. Allele origin: germline.
Comment: This sequence change falls in intron 18 of the ABCC9 gene. It does not directly change the encoded amino acid sequence of the ABCC9 protein. This variant is not present in population databases (gnomAD no frequency). This variant has not been reported in the literature in individuals affected with ABCC9-related conditions. ClinVar contains an entry for this variant (Variation ID: 1433404). Algorithms developed to predict the effect of sequence changes on RNA splicing suggest that this variant may disrupt the consensus splice site. In summary, the available evidence is currently insufficient to determine the role of this variant in disease. Therefore, it has been classified as a Variant of Uncertain Significance.

NM_020297.4(ABCC9):c.2340-7C>A

Gene: ABCC9 (ATP binding cassette subfamily C member 9; minus strand). Cytogenetic location: 12p12.1.
Variant type: single nucleotide variant.
Coding change: c.2340-7C>A on transcript NM_020297.4 (MANE Select); 7 bases into the intron before coding-DNA position 2340, C replaced by A.
Molecular consequence: intron variant.
Genome position (GRCh38, 1-based): chr12:21,861,062, G>T on the plus strand (C>A on the coding strand, the complement: ABCC9 is on the minus strand). VCF-style: chr12-21861062-G-T. GRCh37 (hg19) VCF-style: chr12-22013996-G-T.
Other names: c.1473-7C>A (NM_001377274.1); c.2340-7C>A (NM_005691.4, NM_001377273.1).
Identifiers: ClinVar variation 1433404 (VCV001433404.6), dbSNP rs1167935996, ClinGen allele CA603666770.